The following is an entry in ClinVar:

ClinVar aggregate classification (germline): Uncertain significance (1 of 4 stars; one submission).

Submission:

GeneDx
Classification: Uncertain significance. Last evaluated: 2026-02-12. Review status: criteria provided, single submitter. Criteria: GeneDx Variant Classification Process June 2021. Collection method: clinical testing. Allele origin: germline.
Comment: Not observed at significant frequency in large population cohorts (gnomAD); In silico analysis suggests that this missense variant does not alter protein structure/function; Has not been previously published as pathogenic or benign to our knowledge

NM_001005242.3(PKP2):c.1029G>T (p.Gln343His)

Gene: PKP2 (plakophilin 2; minus strand). Cytogenetic location: 12p11.21.
Variant type: single nucleotide variant.
Coding change: c.1029G>T on transcript NM_001005242.3 (MANE Select); coding-DNA position 1029, G replaced by T.
Protein change: p.Gln343His; replaces glutamine 343 with histidine.
Molecular consequence: missense variant.
Genome position (GRCh38, 1-based): chr12:32,877,851, C>A on the plus strand (G>T on the coding strand, the complement: PKP2 is on the minus strand). VCF-style: chr12-32877851-C-A. GRCh37 (hg19) VCF-style: chr12-33030785-C-A.
Other names: c.1029G>T, p.Gln343His (NM_001407155.1, NM_001407156.1, NM_001407157.1 and 2 more transcripts); c.702G>T, p.Gln234His (NM_001407158.1, NM_001407159.1, NM_001407160.1 and 1 more transcripts); short protein forms Q234H, Q343H.
Identifiers: ClinVar variation 5010067 (VCV005010067.1).